The following is an entry in ClinVar:

ClinVar aggregate classification (germline): Uncertain significance (1 of 4 stars; one submission).

Conditions:
Cardiovascular phenotype. Identifiers: MedGen CN230736.

gnomAD v4.1: 3 of 1,614,122 alleles (0.00019%); highest among the groups gnomAD compares: Non-Finnish European, 0.00025%; no homozygotes.

Submission:

Ambry Genetics
Classification: Uncertain significance for Cardiovascular phenotype. Last evaluated: 2025-09-03. Review status: criteria provided, single submitter. Criteria: Ambry Variant Classification Scheme 2023. Collection method: clinical testing. Allele origin: germline.
Comment: The p.G883S variant (also known as c.2647G>A), located in coding exon 24 of the ANK2 gene, results from a G to A substitution at nucleotide position 2647. The glycine at codon 883 is replaced by serine, an amino acid with similar properties. This amino acid position is highly conserved in available vertebrate species. In addition, the in silico prediction for this alteration is inconclusive. Based on the available evidence, the clinical significance of this variant remains unclear.

NM_001148.6(ANK2):c.2647G>A (p.Gly883Ser)

Gene: ANK2 (ankyrin 2; plus strand). Cytogenetic location: 4q26.
Variant type: single nucleotide variant.
Coding change: c.2647G>A on transcript NM_001148.6 (MANE Select); coding-DNA position 2647, G replaced by A.
Protein change: p.Gly883Ser; replaces glycine 883 with serine.
Molecular consequence: missense variant.
Genome position (GRCh38, 1-based): chr4:113,311,353, G>A. VCF-style: chr4-113311353-G-A. GRCh37 (hg19) VCF-style: chr4-114232509-G-A.
Other names: c.2692G>A, p.Gly898Ser (NM_001354240.2, NM_001354241.2, NM_001354242.2 and 5 more transcripts); c.2584G>A, p.Gly862Ser (NM_001354243.2, NM_001354244.2, NM_001354252.2 and 10 more transcripts); c.2548G>A, p.Gly850Ser (NM_001354245.2, NM_001354268.2); c.2647G>A, p.Gly883Ser (NM_001354246.2, NM_001354265.2, NM_001354225.2 and 6 more transcripts); c.2560G>A, p.Gly854Ser (NM_001354249.2, NM_001354266.2, NM_001354267.2 and 10 more transcripts); c.2485G>A, p.Gly829Ser (NM_001354253.2, NM_001354270.2, NM_001354257.2 and 1 more transcripts); c.2437G>A, p.Gly813Ser (NM_001354269.3); c.2461G>A, p.Gly821Ser (NM_001354271.2, NM_001386151.1, NM_001354260.2); and 9 more; short protein forms G850S, G821S, G862S, G879S, G883S, G813S, G817S, G829S.
Identifiers: ClinVar variation 4096722 (VCV004096722.1).